The following is an entry in ClinVar:

NM_024675.4(PALB2):c.2920_2923del (p.Lys974fs)

Gene: PALB2 (partner and localizer of BRCA2; minus strand). Cytogenetic location: 16p12.2.
Variant type: Deletion.
Coding change: c.2920_2923del on transcript NM_024675.4 (MANE Select); coding-DNA positions 2920 to 2923, 4 bases deleted (AAGA; older notation c.2920_2923delAAGA).
Protein change: p.Lys974fs; shifts the reading frame from lysine 974.
Molecular consequence: frameshift variant.
Genome position (GRCh38, 1-based): chr16:23,623,042-23,623,045, TCTT deleted on the plus strand (AAGA on the coding strand, the reverse complement: PALB2 is on the minus strand); deleting any 4 consecutive bases within chr16:23,623,042-23,623,046 gives the same sequence; the c. name uses the placement nearest the transcript's 3' end. VCF-style (leftmost placement, unchanged base first): chr16-23623041-CTCTT-C. GRCh37 (hg19) VCF-style: chr16-23634362-CTCTT-C.
Other names: c.2920_2923delAAGA (NM_024675.3); short protein forms K974fs.
Identifiers: ClinVar variation 188172 (VCV000188172.9), dbSNP rs786204122, ClinGen allele CA334224.
Genomic context (GRCh38, chr16:23,623,041, plus strand): 5'-GCAAACGTCATGACTTCTACTTGTTGATCAGAAAGGGTCCCACTGCTACTAACTAGCCTC[CTCTT>C]TGTCAGGCCAAGCACAGCTTTTATATTTCCAGACTTCAGTAGTACTTGCTTTTCACTTTC-3'

ClinVar aggregate classification (germline): Pathogenic (1 of 4 stars; one submission).

Conditions:
Familial cancer of breast. Also called: BREAST CANCER, FAMILIAL; Hereditary breast cancer; hereditary breast carcinoma. Identifiers: Orphanet 227535, MedGen C0346153, MONDO:0016419, OMIM 114480. Disease mechanism: loss of function.

Submission:

Labcorp Genetics (formerly Invitae), Labcorp
Classification: Pathogenic for Familial cancer of breast. Last evaluated: 2023-04-11. Review status: criteria provided, single submitter. Criteria: Invitae Variant Classification Sherloc (09022015). Collection method: clinical testing. Allele origin: germline.
Comment: For these reasons, this variant has been classified as Pathogenic. ClinVar contains an entry for this variant (Variation ID: 188172). This variant has not been reported in the literature in individuals affected with PALB2-related conditions. This variant is not present in population databases (gnomAD no frequency). This sequence change creates a premature translational stop signal (p.Lys974Glyfs*3) in the PALB2 gene. It is expected to result in an absent or disrupted protein product. Loss-of-function variants in PALB2 are known to be pathogenic (PMID: 17200668, 17200671, 17200672, 24136930, 25099575).

Literature cited by the submitters: PubMed 17200668; PubMed 17200671; PubMed 17200672; PubMed 24136930; PubMed 25099575.